The following is an entry in ClinVar:

ClinVar aggregate classification (germline): Likely benign (1 of 4 stars; one submission).

gnomAD v4.1: 7 of 1,613,954 alleles (0.00043%); highest among the groups gnomAD compares: Middle Eastern, 0.016%; no homozygotes.

Submission:

CeGaT Center for Human Genetics Tuebingen
Classification: Likely benign. Last evaluated: 2025-12-01. Review status: criteria provided, single submitter. Criteria: CeGaT Center For Human Genetics Tuebingen Variant Classification Criteria Version 2. Collection method: clinical testing. Allele origin: germline. Affected: yes. Observed: 1 variant allele.
Comment: TKFC: BP4, BP7

NM_015533.4(TKFC):c.843C>T (p.Ala281=)

Gene: TKFC (triokinase and FMN cyclase; plus strand). Cytogenetic location: 11q12.2.
Variant type: single nucleotide variant.
Coding change: c.843C>T on transcript NM_015533.4 (MANE Select); coding-DNA position 843, C replaced by T.
Protein change: p.Ala281=; no amino-acid change (alanine 281 retained).
Molecular consequence: synonymous variant.
Genome position (GRCh38, 1-based): chr11:61,342,822, C>T. VCF-style: chr11-61342822-C-T. GRCh37 (hg19) VCF-style: chr11-61110294-C-T.
Other names: c.843C>T, p.Ala281= (NM_001351976.2, NM_001351977.2, NM_001351978.2 and 1 more transcripts); c.633C>T, p.Ala211= (NM_001351980.2).
Identifiers: ClinVar variation 4681618 (VCV004681618.5).